The following is an entry in ClinVar:

NM_014946.4(SPAST):c.1844C>T (p.Thr615Ile)

Gene: SPAST (spastin; plus strand). Cytogenetic location: 2p22.3.
Variant type: single nucleotide variant.
Coding change: c.1844C>T on transcript NM_014946.4 (MANE Select); coding-DNA position 1844, C replaced by T.
Protein change: p.Thr615Ile; replaces threonine 615 with isoleucine.
Molecular consequence: missense variant. On other transcripts: 3 prime UTR variant (1).
Genome position (GRCh38, 1-based): chr2:32,154,489, C>T. VCF-style: chr2-32154489-C-T. GRCh37 (hg19) VCF-style: chr2-32379558-C-T.
Other names: c.1841C>T, p.Thr614Ile (NM_001363823.2); c.1745C>T, p.Thr582Ile (NM_001363875.2); c.*117C>T (NM_001377959.1); c.1748C>T, p.Thr583Ile (NM_199436.2); short protein forms T583I, T582I, T615I, T614I.
Identifiers: ClinVar variation 2734160 (VCV002734160.3), dbSNP rs765941217, ClinGen allele CA346505775.

ClinVar aggregate classification (germline): Pathogenic (1 of 4 stars; one submission).

Conditions:
Hereditary spastic paraplegia 4. Also called: Familial spastic paraplegia autosomal dominant 2; Spastic paraplegia 4, autosomal dominant; Spastic Paraplegia 4. Identifiers: Orphanet 100985, MedGen C1866855, MONDO:0008438, OMIM 182601.

Submission:

Labcorp Genetics (formerly Invitae), Labcorp
Classification: Pathogenic for Hereditary spastic paraplegia 4. Last evaluated: 2025-08-10. Review status: criteria provided, single submitter. Criteria: Invitae Variant Classification Sherloc (09022015). Collection method: clinical testing. Allele origin: germline.
Comment: This sequence change replaces threonine, which is neutral and polar, with isoleucine, which is neutral and non-polar, at codon 615 of the SPAST protein (p.Thr615Ile). This variant is not present in population databases (gnomAD no frequency). This missense change has been observed in individuals with hereditary spastic paraplegia (PMID: 12124993; internal data). ClinVar contains an entry for this variant (Variation ID: 2734160). Invitae Evidence Modeling of protein sequence and biophysical properties (such as structural, functional, and spatial information, amino acid conservation, physicochemical variation, residue mobility, and thermodynamic stability) indicates that this missense variant is expected to disrupt SPAST protein function with a positive predictive value of 95%. This variant disrupts the p.Thr615 amino acid residue in SPAST. Other variant(s) that disrupt this residue have been observed in individuals with SPAST-related conditions (PMID: 30476002), which suggests that this may be a clinically significant amino acid residue. For these reasons, this variant has been classified as Pathogenic.

Literature cited by the submitters: PubMed 12124993; PubMed 30476002.